The following is an entry in ClinVar:

NM_000548.5(TSC2):c.2998T>A (p.Leu1000Met)

Gene: TSC2 (TSC complex subunit 2; plus strand). Cytogenetic location: 16p13.3.
Variant type: single nucleotide variant.
Coding change: c.2998T>A on transcript NM_000548.5 (MANE Select); coding-DNA position 2998, T replaced by A.
Protein change: p.Leu1000Met; replaces leucine 1000 with methionine.
Molecular consequence: missense variant.
Genome position (GRCh38, 1-based): chr16:2,079,063, T>A. VCF-style: chr16-2079063-T-A. GRCh37 (hg19) VCF-style: chr16-2129064-T-A.
Other names: c.2995T>A, p.Leu999Met (NM_001406663.1, NM_001406664.1); c.2866T>A, p.Leu956Met (NM_001406665.1, NM_001077183.3, NM_001370404.1); c.2959T>A, p.Leu987Met (NM_001406667.1); c.2956T>A, p.Leu986Met (NM_001406668.1); c.2887T>A, p.Leu963Met (NM_001406670.1); c.2857T>A, p.Leu953Met (NM_001406671.1); c.2854T>A, p.Leu952Met (NM_001406673.1); c.2851T>A, p.Leu951Met (NM_001406675.1); and 18 more; short protein forms L1000M, L422M, L508M, L509M, L552M, L756M, L757M, L799M.
Identifiers: ClinVar variation 1717908 (VCV001717908.7), dbSNP rs756679047, ClinGen allele CA394283761.
Genomic context (GRCh38, chr16:2,079,063, plus strand): 5'-CTGACCCTGGTCACGGCCTCTCCCTCCAGCAGGATACAGACGTCCCTCACCAGTGCCAGC[T>A]TGGGGTCTGCAGATGAGAACTCCGTGGCCCAGGCTGACGATAGCCTGAAAAACCTCCACC-3'
Protein context (NP_000539.2, residues 990-1010): RIQTSLTSAS[Leu1000Met]GSADENSVAQ

ClinVar aggregate classification (germline): Uncertain significance. Review status: criteria provided, multiple submitters, no conflicts (2 of 4 stars). 3 submissions from 3 submitters: Uncertain significance (3). Last evaluated 2025-11-05.

Conditions:
Hereditary cancer-predisposing syndrome. Also called: Hereditary neoplastic syndrome; Tumor predisposition; Neoplastic Syndromes, Hereditary; Hereditary Cancer Syndrome. Identifiers: Orphanet 140162, MedGen C0027672, MeSH D009386, MONDO:0015356.
Tuberous sclerosis 2 (TSC2). Identifiers: Orphanet 805, MedGen C1860707, MONDO:0013199, OMIM 613254.

Submissions (3):

Labcorp Genetics (formerly Invitae), Labcorp
Classification: Uncertain significance for Tuberous sclerosis 2. Last evaluated: 2025-11-05. Review status: criteria provided, single submitter. Criteria: Invitae Variant Classification Sherloc (09022015). Collection method: clinical testing. Allele origin: germline.
Comment: This sequence change replaces leucine, which is neutral and non-polar, with methionine, which is neutral and non-polar, at codon 1000 of the TSC2 protein (p.Leu1000Met). This variant is not present in population databases (gnomAD no frequency). This variant has not been reported in the literature in individuals affected with TSC2-related conditions. ClinVar contains an entry for this variant (Variation ID: 1717908). Invitae Evidence Modeling of protein sequence and biophysical properties (such as structural, functional, and spatial information, amino acid conservation, physicochemical variation, residue mobility, and thermodynamic stability) indicates that this missense variant is not expected to disrupt TSC2 protein function with a negative predictive value of 95%. In summary, the available evidence is currently insufficient to determine the role of this variant in disease. Therefore, it has been classified as a Variant of Uncertain Significance.

Ambry Genetics
Classification: Uncertain significance for Hereditary cancer-predisposing syndrome. Last evaluated: 2023-12-10. Review status: criteria provided, single submitter. Criteria: Ambry Variant Classification Scheme 2023. Collection method: clinical testing. Allele origin: germline.
Comment: The p.L1000M variant (also known as c.2998T>A), located in coding exon 26 of the TSC2 gene, results from a T to A substitution at nucleotide position 2998. The leucine at codon 1000 is replaced by methionine, an amino acid with highly similar properties. This amino acid position is conserved. In addition, the in silico prediction for this alteration is inconclusive. Since supporting evidence is limited at this time, the clinical significance of this alteration remains unclear.

GeneDx
Classification: Uncertain significance. Last evaluated: 2023-06-27. Review status: criteria provided, single submitter. Criteria: GeneDx Variant Classification Process June 2021. Collection method: clinical testing. Allele origin: germline. Affected: yes.
Comment: Not observed at significant frequency in large population cohorts (gnomAD); In silico analysis supports that this missense variant does not alter protein structure/function; Has not been previously published as pathogenic or benign to our knowledge